The following is an entry in ClinVar:

NM_000358.3(TGFBI):c.370C>T (p.Arg124Cys)

Gene: TGFBI (transforming growth factor beta induced; plus strand). Cytogenetic location: 5q31.1.
Variant type: single nucleotide variant.
Coding change: c.370C>T on transcript NM_000358.3 (MANE Select); coding-DNA position 370, C replaced by T.
Protein change: p.Arg124Cys; replaces arginine 124 with cysteine.
Molecular consequence: missense variant.
Genome position (GRCh38, 1-based): chr5:136,046,406, C>T. VCF-style: chr5-136046406-C-T. GRCh37 (hg19) VCF-style: chr5-135382095-C-T.
Other names: c.370C>T (NM_000358.2); short protein forms R124C.
Identifiers: ClinVar variation 7868 (VCV000007868.22), dbSNP rs121909210, ClinGen allele CA119121.

ClinVar aggregate classification (germline): Pathogenic. Review status: criteria provided, multiple submitters, no conflicts (2 of 4 stars). 11 submissions from 11 submitters: Pathogenic (10). 1 of the submissions does not count toward it. Last evaluated 2026-08-24.

Conditions:
TGFBI-related disorder. Also called: TGFBI-related condition.
Epithelial-stromal TGFBI dystrophy. Identifiers: MedGen CN322643, MONDO:0000764.
Corneal dystrophy. Identifiers: Orphanet 34533, MedGen C0010036, MONDO:0018102, HP:0001131.
Lattice corneal dystrophy Type I (CDL1). Identifiers: Orphanet 98964, MedGen C1690006, MONDO:0007380, OMIM 122200.

Allele frequency attached by ClinVar (database versions not stated): gnomAD 0.00001; TOPMed below 0.00001; ExAC 0.00001.
gnomAD v4.1: 3 of 1,613,794 alleles (0.00019%); highest among the groups gnomAD compares: African/African-American, 0.0013%; no homozygotes.

Submissions (11):

PreventionGenetics, part of Exact Sciences
Classification: Pathogenic for TGFBI-related condition. Last evaluated: 2026-08-24. Review status: criteria provided, single submitter. Criteria: ACMG Guidelines, 2015. Collection method: clinical testing. Allele origin: germline.
Comment: The TGFBI c.370C>T variant is predicted to result in the amino acid substitution p.Arg124Cys. This variant was reported in multiple patients with corneal dystrophy (see, for examples, Munier et al. 1997. PubMed ID: 9054935; Munier et al. 2002. PubMed ID: 11923233; Romero et al. 2008. PubMed ID: 18470323; Yang et al. 2010. PubMed ID: 20664689; Li et al. 2021. PubMed ID: 33816482). This variant is reported in 0.0041% of alleles in individuals of African descent in gnomAD. This variant is interpreted as pathogenic.

Clinical Genetics Laboratory, Skane University Hospital Lund
Classification: Pathogenic for Lattice corneal dystrophy Type I. Last evaluated: 2026-08-06. Review status: criteria provided, single submitter. Criteria: ACMG Guidelines, 2015. Collection method: clinical testing. Allele origin: germline. Affected: yes.
Comment: ACMG criteria used: PS2, PS3, PS4, PP1_Strong, PP3

GeneDx
Classification: Pathogenic. Last evaluated: 2026-05-04. Review status: criteria provided, single submitter. Criteria: GeneDx Variant Classification Process June 2021. Collection method: clinical testing. Allele origin: germline.
Comment: In silico analysis supports that this missense variant has a deleterious effect on protein structure/function; This variant is associated with the following publications: (PMID: 16380889, 39843441, 40556321, 15302666, 19337156, 20458218, 25055147, 22850414, 21135107, 23559853, 25785536, 9054935, 27348782, 15013897, 28393022, 16710170, 18615206, 29085627, 28358433, 20697279, 22746317, 11923233, 22355247, 20360992, 20161820, 20806046, 34426522, 16118514, 33816482, 35985662, 28689406, 12770961, 12586172, 20664689, 30805211, 18470323, 30098247, 36964972, 35484844, 36902444)

Genetics Laboratory, Great Ormond Street Hospital NHS Foundation Trust, North Thames Genomic Laboratory Hub
Classification: Pathogenic for Corneal dystrophy. Last evaluated: 2026-02-27. Review status: criteria provided, single submitter. Criteria: ACGS Best Practice Guidelines for Variant Classification in Rare Disease 2024 v1.2. Collection method: clinical testing. Allele origin: germline. Affected: yes.
Comment: PS4_moderate, PM2_moderate, PP3_supporting, PM5_moderate, PP1_strong

Laboratory of Genetics, Children's Clinical University Hospital Latvia
Classification: Pathogenic. Last evaluated: 2025-02-16. Review status: criteria provided, single submitter. Criteria: ACMG Guidelines, 2015. Collection method: clinical testing. Allele origin: germline. Affected: yes.

Blueprint Genetics
Classification: Pathogenic for TGFBI-related disorders. Last evaluated: 2024-11-23. Review status: criteria provided, single submitter. Criteria: ACMG Guidelines, 2015. Collection method: clinical testing. Allele origin: germline. Affected: yes. Observed: 5 variant alleles.

Labcorp Genetics (formerly Invitae), Labcorp
Classification: Pathogenic. Last evaluated: 2024-02-02. Review status: criteria provided, single submitter. Criteria: Invitae Variant Classification Sherloc (09022015). Collection method: clinical testing. Allele origin: germline.
Comment: This sequence change replaces arginine, which is basic and polar, with cysteine, which is neutral and slightly polar, at codon 124 of the TGFBI protein (p.Arg124Cys). This variant is present in population databases (rs121909210, gnomAD 0.004%). This missense change has been observed in individuals with autosomal dominant corneal dystrophy (PMID: 9054935, 9463327, 10798644, 11923233). It has also been observed to segregate with disease in related individuals. ClinVar contains an entry for this variant (Variation ID: 7868). An algorithm developed to predict the effect of missense changes on protein structure and function (PolyPhen-2) suggests that this variant is likely to be disruptive. Experimental studies have shown that this missense change affects TGFBI function (PMID: 23559853). For these reasons, this variant has been classified as Pathogenic.

Genetics and Molecular Pathology, SA Pathology
Classification: Pathogenic for Epithelial-stromal TGFBI dystrophy. Last evaluated: 2020-05-13. Review status: criteria provided, single submitter. Criteria: ACMG Guidelines, 2015. Collection method: clinical testing. Allele origin: germline. Inheritance: Autosomal dominant inheritance. Affected: yes.

Juno Genomics, Hangzhou Juno Genomics, Inc
Classification: Pathogenic for Lattice corneal dystrophy Type I. Review status: criteria provided, single submitter. Criteria: ACMG Guidelines, 2015. Collection method: clinical testing. Allele origin: germline. Affected: yes.
Comment: Absent from controls (or at extremely low frequency if recessive) in Genome Aggregation Database, Exome Sequencing Project, 1000 Genomes Project, or Exome Aggregation Consortium.;Well-established in vitro or in vivo functional studies supportive of a damaging effect on the gene or gene product.;The prevalence of the variant in affected individuals is significantly increased compared to the prevalence in controls.;Co-segregation with disease in multiple affected family members in a gene definitively known to cause the disease.;Patient's phenotype or family history is highly specific for a disease with a single genetic etiology.

Neuberg Centre For Genomic Medicine, NCGM
Classification: Pathogenic for Lattice corneal dystrophy Type I. Review status: criteria provided, single submitter. Criteria: ACMG Guidelines, 2015. Collection method: clinical testing. Allele origin: germline. Inheritance: Autosomal dominant inheritance. Affected: yes.
Comment: The missense c.370C>T (p.Arg124Cys) variant in TGFBI gene has been reported in individuals affected with Corneal dystrophy (Grothe HL et al. 2013). It has also been observed to segregate with disease in related individuals. The p.Arg124Cys variant has allele frequency 0.0007% in gnomAD Exomes and is novel (not in any individuals) in 1000 Genomes. This variant has been reported to the ClinVar database as Pathogenic (multiple submitter). The amino acid Arg at position 124 is changed to a Cys changing protein sequence and it might alter its composition and physico-chemical properties. For these reasons, this variant has been classified as Pathogenic.

OMIM
Classification: Pathogenic for CORNEAL DYSTROPHY, LATTICE TYPE I. Last evaluated: 1998-04-01. Review status: no assertion criteria provided. Collection method: literature only. Allele origin: germline. Not counted in ClinVar's aggregate classification.

Literature cited by the submitters: PubMed 9054935 (cited by Labcorp Genetics (formerly Invitae), Labcorp and OMIM); PubMed 9463327 (cited by Labcorp Genetics (formerly Invitae), Labcorp); PubMed 10798644 (cited by Labcorp Genetics (formerly Invitae), Labcorp); PubMed 11923233 (cited by Labcorp Genetics (formerly Invitae), Labcorp); PubMed 23559853 (cited by Labcorp Genetics (formerly Invitae), Labcorp); PubMed 9559741 (cited by OMIM).